The following is an entry in ClinVar:

ClinVar aggregate classification (germline): Uncertain significance. Review status: criteria provided, multiple submitters, no conflicts (2 of 4 stars). 2 submissions from 2 submitters: Uncertain significance (2). Last evaluated 2025-03-13.

Conditions:
Ataxia-telangiectasia syndrome (AT). Also called: Ataxia-telangiectasia, complementation group E; Cerebello-oculocutaneous telangiectasia; Immunodeficiency with ataxia telangiectasia; ATAXIA-TELANGIECTASIA, COMPLEMENTATION GROUP A; ATAXIA-TELANGIECTASIA, FRESNO VARIANT; Ataxia-telangiectasia, complementation group D. Identifiers: Orphanet 100, MedGen C0004135, MONDO:0008840, OMIM 208900.
Hereditary cancer-predisposing syndrome. Also called: Tumor predisposition; Hereditary neoplastic syndrome; Neoplastic Syndromes, Hereditary; Hereditary Cancer Syndrome. Identifiers: Orphanet 140162, MedGen C0027672, MeSH D009386, MONDO:0015356.

Submissions (2):

Ambry Genetics
Classification: Uncertain significance for Hereditary cancer-predisposing syndrome. Last evaluated: 2025-03-13. Review status: criteria provided, single submitter. Criteria: Ambry Variant Classification Scheme 2023. Collection method: clinical testing. Allele origin: germline.
Comment: The p.M624L variant (also known as c.1870A>C), located in coding exon 11 of the ATM gene, results from an A to C substitution at nucleotide position 1870. The methionine at codon 624 is replaced by leucine, an amino acid with highly similar properties. This amino acid position is well conserved in available vertebrate species. In addition, this alteration is predicted to be tolerated by in silico analysis. Based on the available evidence, the clinical significance of this variant remains unclear.

Labcorp Genetics (formerly Invitae), Labcorp
Classification: Uncertain significance for Ataxia-telangiectasia syndrome. Last evaluated: 2022-06-10. Review status: criteria provided, single submitter. Criteria: Invitae Variant Classification Sherloc (09022015). Collection method: clinical testing. Allele origin: germline.
Comment: In summary, the available evidence is currently insufficient to determine the role of this variant in disease. Therefore, it has been classified as a Variant of Uncertain Significance. Advanced modeling of protein sequence and biophysical properties (such as structural, functional, and spatial information, amino acid conservation, physicochemical variation, residue mobility, and thermodynamic stability) performed at Invitae indicates that this missense variant is not expected to disrupt ATM protein function. This variant has not been reported in the literature in individuals affected with ATM-related conditions. This variant is not present in population databases (gnomAD no frequency). This sequence change replaces methionine, which is neutral and non-polar, with leucine, which is neutral and non-polar, at codon 624 of the ATM protein (p.Met624Leu).

NM_000051.4(ATM):c.1870A>C (p.Met624Leu)

Gene: ATM (ATM serine/threonine kinase; plus strand). Cytogenetic location: 11q22.3.
Variant type: single nucleotide variant.
Coding change: c.1870A>C on transcript NM_000051.4 (MANE Select); coding-DNA position 1870, A replaced by C.
Protein change: p.Met624Leu; replaces methionine 624 with leucine.
Molecular consequence: missense variant.
Genome position (GRCh38, 1-based): chr11:108,252,884, A>C. VCF-style: chr11-108252884-A-C. GRCh37 (hg19) VCF-style: chr11-108123611-A-C.
Other names: c.1870A>C, p.Met624Leu (NM_001351834.2); short protein forms M624L.
Identifiers: ClinVar variation 1524219 (VCV001524219.9), dbSNP rs863224557, ClinGen allele CA382535961.